The following is an entry in ClinVar:

ClinVar aggregate classification (germline): Uncertain significance (1 of 4 stars; one submission).

Allele frequency attached by ClinVar (database versions not stated): TOPMed below 0.00001; gnomAD exomes 0.00002.
gnomAD v4.1: 36 of 1,614,110 alleles (0.0022%); highest among the groups gnomAD compares: Middle Eastern, 0.017%; no homozygotes.

Submission:

Labcorp Genetics (formerly Invitae), Labcorp
Classification: Uncertain significance. Last evaluated: 2023-12-09. Review status: criteria provided, single submitter. Criteria: Invitae Variant Classification Sherloc (09022015). Collection method: clinical testing. Allele origin: germline.
Comment: This sequence change replaces proline, which is neutral and non-polar, with alanine, which is neutral and non-polar, at codon 1100 of the ERBIN protein (p.Pro1100Ala). This variant is present in population databases (no rsID available, gnomAD 0.0009%). This variant has not been reported in the literature in individuals affected with ERBIN-related conditions. An algorithm developed to predict the effect of missense changes on protein structure and function (PolyPhen-2) suggests that this variant is likely to be tolerated. In summary, the available evidence is currently insufficient to determine the role of this variant in disease. Therefore, it has been classified as a Variant of Uncertain Significance.

NM_001253697.2(ERBIN):c.3298C>G (p.Pro1100Ala)

Gene: ERBIN (erbb2 interacting protein; plus strand). Cytogenetic location: 5q12.3.
Variant type: single nucleotide variant.
Coding change: c.3298C>G on transcript NM_001253697.2 (MANE Select); coding-DNA position 3298, C replaced by G.
Protein change: p.Pro1100Ala; replaces proline 1100 with alanine.
Molecular consequence: missense variant.
Genome position (GRCh38, 1-based): chr5:66,054,616, C>G. VCF-style: chr5-66054616-C-G. GRCh37 (hg19) VCF-style: chr5-65350444-C-G.
Other names: c.3298C>G, p.Pro1100Ala (NM_001253698.2, NM_001253699.2, NM_018695.4 and 1 more transcripts); c.3286C>G, p.Pro1096Ala (NM_001253701.2); short protein forms P1100A, P1096A.
Identifiers: ClinVar variation 3022566 (VCV003022566.3), dbSNP rs1440899459, ClinGen allele CA359869537.